The following is an entry in ClinVar:

NM_001458.5(FLNC):c.2642G>T (p.Gly881Val)

Gene: FLNC (filamin C; plus strand). Cytogenetic location: 7q32.1.
Variant type: single nucleotide variant.
Coding change: c.2642G>T on transcript NM_001458.5 (MANE Select); coding-DNA position 2642, G replaced by T.
Protein change: p.Gly881Val; replaces glycine 881 with valine.
Molecular consequence: missense variant.
Genome position (GRCh38, 1-based): chr7:128,843,408, G>T. VCF-style: chr7-128843408-G-T. GRCh37 (hg19) VCF-style: chr7-128483462-G-T.
Other names: c.2642G>T, p.Gly881Val (NM_001127487.2); short protein forms G881V.
Identifiers: ClinVar variation 662599 (VCV000662599.11), dbSNP rs377095070, ClinGen allele CA4474811.

ClinVar aggregate classification (germline): Uncertain significance. Review status: criteria provided, multiple submitters, no conflicts (2 of 4 stars). 3 submissions from 3 submitters: Uncertain significance (3). Last evaluated 2026-02-02.

Conditions:
Hypertrophic cardiomyopathy 26. Also called: Cardiomyopathy, familial hypertrophic, 26. Identifiers: Orphanet 75249, MedGen C4310749, MONDO:0014883, OMIM 617047.
Myofibrillar myopathy 5. Also called: Filaminopathy (type); FILAMINOPATHY, AUTOSOMAL DOMINANT. Identifiers: Orphanet 171445, MedGen C1836050, MONDO:0012289, OMIM 609524.
Distal myopathy with posterior leg and anterior hand involvement. Also called: WILLIAMS DISTAL MYOPATHY. Identifiers: Orphanet 63273, MedGen C3279722, MONDO:0013550, OMIM 614065.
Cardiovascular phenotype. Identifiers: MedGen CN230736.

Allele frequency attached by ClinVar (database versions not stated): gnomAD exomes below 0.00001; ExAC 0.00001; gnomAD 0.00001; TOPMed 0.00002; ESP Exome Variant Server 0.00008.
gnomAD v4.1: 2 of 1,613,970 alleles (0.00012%); highest among the groups gnomAD compares: African/African-American, 0.0027%; no homozygotes.

Submissions (3):

Women's Health and Genetics/Laboratory Corporation of America, LabCorp
Classification: Uncertain significance. Last evaluated: 2026-02-02. Review status: criteria provided, single submitter. Criteria: LabCorp Variant Classification Summary - May 2015. Collection method: clinical testing. Allele origin: germline.
Comment: Variant summary: FLNC c.2642G>T (p.Gly881Val) results in a non-conservative amino acid change in the encoded protein sequence near a canonical splice site. Algorithms developed to predict the effect of missense changes on protein structure and function all suggest that this variant is likely to be disruptive. Several computational tools predict a significant impact on normal splicing: Two predict the variant abolishes a 3' acceptor site. Three predict the variant weakens a 3' acceptor site. However, these predictions have yet to be confirmed by functional studies. The variant allele was found at a frequency of 4e-06 in 248300 control chromosomes. The available data on variant occurrences in the general population are insufficient to allow any conclusion about variant significance. To our knowledge, no occurrence of c.2642G>T in individuals affected with FLNC-related conditions and no experimental evidence demonstrating its impact on protein function have been reported. ClinVar contains an entry for this variant (Variation ID: 662599). Based on the evidence outlined above, the variant was classified as uncertain significance.

Labcorp Genetics (formerly Invitae), Labcorp
Classification: Uncertain significance for Distal myopathy with posterior leg and anterior hand involvement; Myofibrillar myopathy 5; Hypertrophic cardiomyopathy 26. Last evaluated: 2024-09-23. Review status: criteria provided, single submitter. Criteria: Invitae Variant Classification Sherloc (09022015). Collection method: clinical testing. Allele origin: germline.
Comment: This sequence change replaces glycine, which is neutral and non-polar, with valine, which is neutral and non-polar, at codon 881 of the FLNC protein (p.Gly881Val). This variant is present in population databases (rs377095070, gnomAD 0.008%). This variant has not been reported in the literature in individuals affected with FLNC-related conditions. ClinVar contains an entry for this variant (Variation ID: 662599). An algorithm developed to predict the effect of missense changes on protein structure and function (PolyPhen-2) suggests that this variant is likely to be disruptive. In summary, the available evidence is currently insufficient to determine the role of this variant in disease. Therefore, it has been classified as a Variant of Uncertain Significance.

Ambry Genetics
Classification: Uncertain significance for Cardiovascular phenotype. Last evaluated: 2024-06-11. Review status: criteria provided, single submitter. Criteria: Ambry Variant Classification Scheme 2023. Collection method: clinical testing. Allele origin: germline.
Comment: The p.G881V variant (also known as c.2642G>T) is located in coding exon 18 of the FLNC gene. The glycine at codon 881 is replaced by valine, an amino acid with dissimilar properties. This change occurs in the first base pair of coding exon 18. This variant has been reported in a cardiovascular disease cohort (Najafi A et al. Clin Genet, 2020 Feb;97:235-245). This amino acid position is highly conserved in available vertebrate species. In addition, this alteration is predicted to be deleterious by in silico analysis. Based on the available evidence, the clinical significance of this variant remains unclear.

Literature cited by the submitters: PubMed 31506931 (cited by Ambry Genetics).